The following is an entry in ClinVar:

ClinVar aggregate classification (germline): Pathogenic. Review status: criteria provided, single submitter (1 of 4 stars). 2 submissions from 2 submitters: Pathogenic (1). 1 of the submissions does not count toward it. Last evaluated 2024-01-19.

Conditions:
Congenital stationary night blindness. Also called: Early-onset non-progressive night blindness. Identifiers: Orphanet 215, MedGen C0339535, MONDO:0016293, HP:0007642.

Submissions (2):

Labcorp Genetics (formerly Invitae), Labcorp
Classification: Pathogenic. Last evaluated: 2024-01-19. Review status: criteria provided, single submitter. Criteria: Invitae Variant Classification Sherloc (09022015). Collection method: clinical testing. Allele origin: germline.
Comment: This sequence change replaces phenylalanine, which is neutral and non-polar, with cysteine, which is neutral and slightly polar, at codon 753 of the CACNA1F protein (p.Phe753Cys). This variant is not present in population databases (gnomAD no frequency). This missense change has been observed in individuals with congenital stationary night blindness (PMID: 12111638, 31456290, 31651202). This variant is also known as Phe742Cys. ClinVar contains an entry for this variant (Variation ID: 812249). Advanced modeling of protein sequence and biophysical properties (such as structural, functional, and spatial information, amino acid conservation, physicochemical variation, residue mobility, and thermodynamic stability) performed at Invitae indicates that this missense variant is expected to disrupt CACNA1F protein function with a positive predictive value of 80%. Experimental studies have shown that this missense change affects CACNA1F function (PMID: 17949918). For these reasons, this variant has been classified as Pathogenic.

Sharon lab, Hadassah-Hebrew University Medical Center
Classification: Pathogenic for Congenital stationary night blindness. Last evaluated: 2019-06-23. Review status: no assertion criteria provided. Collection method: research. Allele origin: inherited. Affected: yes. Not counted in ClinVar's aggregate classification.

Literature cited by the submitters: PubMed 12111638 (cited by Labcorp Genetics (formerly Invitae), Labcorp); PubMed 31456290 (cited by Labcorp Genetics (formerly Invitae), Labcorp); PubMed 31651202 (cited by Labcorp Genetics (formerly Invitae), Labcorp); PubMed 17949918 (cited by Labcorp Genetics (formerly Invitae), Labcorp).

NM_001256789.3(CACNA1F):c.2225T>G (p.Phe742Cys)

Gene: CACNA1F (calcium voltage-gated channel subunit alpha1 F; minus strand). Cytogenetic location: Xp11.23.
Variant type: single nucleotide variant.
Coding change: c.2225T>G on transcript NM_001256789.3 (MANE Select); coding-DNA position 2225, T replaced by G.
Protein change: p.Phe742Cys; replaces phenylalanine 742 with cysteine.
Molecular consequence: missense variant.
Genome position (GRCh38, 1-based): chrX:49,222,585, A>C on the plus strand (T>G on the coding strand, the complement: CACNA1F is on the minus strand). VCF-style: chrX-49222585-A-C. GRCh37 (hg19) VCF-style: chrX-49079044-A-C.
Other names: c.2063T>G, p.Phe688Cys (NM_001256790.3); c.2258T>G, p.Phe753Cys (NM_005183.4); short protein forms F742C, F688C, F753C.
Identifiers: ClinVar variation 812249 (VCV000812249.4), dbSNP rs1602644716, ClinGen allele CA412909826.